The following is an entry in ClinVar:

ClinVar aggregate classification (germline): Pathogenic (1 of 4 stars; one submission).

Conditions:
Mucopolysaccharidosis, MPS-III-C (MPS3C). Also called: MPS III C; MUCOPOLYSACCHARIDOSIS, TYPE IIIC; SANFILIPPO SYNDROME C; Mucopolysaccharidosis type IIIC (Sanfilippo C); mucopolysaccharidosis type 3C; MPS IIIC (Sanfilippo Syndrome Type C). Identifiers: Orphanet 581, Orphanet 79271, MedGen C0086649, MONDO:0009657, OMIM 252930.

Submission:

Myriad Genetics, Inc.
Classification: Pathogenic for Mucopolysaccharidosis, MPS-III-C. Last evaluated: 2025-12-18. Review status: criteria provided, single submitter. Criteria: Myriad Autosomal Dominant, Autosomal Recessive and X-Linked Classification Criteria (2023). Collection method: clinical testing. Allele origin: unknown.
Comment: NM_152419.2(HGSNAT):c.1347delC(D449Efs*33) is expected to be pathogenic in the context of mucopolysaccharidosis type IIIC. This variant is predicted to lead to an abnormal or absent protein product due to the creation of a premature termination codon in HGSNAT, a gene where loss-of-function variants are known to be pathogenic. Please note: this variant was assessed in the context of healthy population screening.

NM_152419.3(HGSNAT):c.1347del (p.Asp449fs)

Gene: HGSNAT (heparan-alpha-glucosaminide N-acetyltransferase; plus strand). Cytogenetic location: 8p11.21.
Variant type: Deletion.
Coding change: c.1347del on transcript NM_152419.3 (MANE Select); coding-DNA position 1347, one base deleted (C; older notation c.1347delC).
Protein change: p.Asp449fs; shifts the reading frame from aspartic acid 449.
Molecular consequence: frameshift variant.
Genome position (GRCh38, 1-based): chr8:43,192,400, C deleted. VCF-style (leftmost placement, unchanged base first): chr8-43192399-AC-A. GRCh37 (hg19) VCF-style: chr8-43047542-AC-A.
Other names: c.1347del, p.Asp449fs (NM_001363227.2); c.1155del, p.Asp385fs (NM_001363228.2); c.483del, p.Asp161fs (NM_001363229.2); short protein forms D161fs, D385fs, D449fs.
Identifiers: ClinVar variation 5015340 (VCV005015340.1).